The following is an entry in ClinVar:

NM_002485.5(NBN):c.318C>G (p.Phe106Leu)

Gene: NBN (nibrin; minus strand). Cytogenetic location: 8q21.3.
Variant type: single nucleotide variant.
Coding change: c.318C>G on transcript NM_002485.5 (MANE Select); coding-DNA position 318, C replaced by G.
Protein change: p.Phe106Leu; replaces phenylalanine 106 with leucine.
Molecular consequence: missense variant.
Genome position (GRCh38, 1-based): chr8:89,981,377, G>C on the plus strand (C>G on the coding strand, the complement: NBN is on the minus strand). VCF-style: chr8-89981377-G-C. GRCh37 (hg19) VCF-style: chr8-90993605-G-C.
Other names: c.72C>G, p.Phe24Leu (NM_001024688.3); c.318C>G (NM_002485.4); short protein forms F106L, F24L.
Identifiers: ClinVar variation 1407831 (VCV001407831.7), dbSNP rs1161413131, ClinGen allele CA371662255.

ClinVar aggregate classification (germline): Uncertain significance. Review status: criteria provided, multiple submitters, no conflicts (2 of 4 stars). 2 submissions from 2 submitters: Uncertain significance (2). Last evaluated 2026-08-16.

Conditions:
Hereditary cancer-predisposing syndrome. Also called: Hereditary Cancer Syndrome; Neoplastic Syndromes, Hereditary; Hereditary neoplastic syndrome; Tumor predisposition. Identifiers: Orphanet 140162, MedGen C0027672, MeSH D009386, MONDO:0015356.
Microcephaly, normal intelligence and immunodeficiency (NBS). Also called: SEEMANOVA SYNDROME II; BERLIN BREAKAGE SYNDROME; Immunodeficiency, microcephaly with normal intelligence; Ataxia telangiectasia variant V1; Nijmegen breakage syndrome; Microcephaly with normal intelligence immunodeficiency and lymphoreticular malignancies. Identifiers: Orphanet 647, MedGen C0398791, MONDO:0009623, OMIM 251260.

Allele frequency attached by ClinVar (database versions not stated): TOPMed 0.00001.

Submissions (2):

Ambry Genetics
Classification: Uncertain significance for Hereditary cancer-predisposing syndrome. Last evaluated: 2026-08-16. Review status: criteria provided, single submitter. Criteria: Ambry Variant Classification Scheme 2023. Collection method: clinical testing. Allele origin: germline.
Comment: The p.F106L variant (also known as c.318C>G), located in coding exon 3 of the NBN gene, results from a C to G substitution at nucleotide position 318. The phenylalanine at codon 106 is replaced by leucine, an amino acid with highly similar properties. This amino acid position is conserved. In addition, the in silico prediction for this alteration is inconclusive. Based on the available evidence, the clinical significance of this variant remains unclear.

Labcorp Genetics (formerly Invitae), Labcorp
Classification: Uncertain significance for Microcephaly, normal intelligence and immunodeficiency. Last evaluated: 2021-07-28. Review status: criteria provided, single submitter. Criteria: Invitae Variant Classification Sherloc (09022015). Collection method: clinical testing. Allele origin: germline.
Comment: This variant is not present in population databases (ExAC no frequency). In summary, the available evidence is currently insufficient to determine the role of this variant in disease. Therefore, it has been classified as a Variant of Uncertain Significance. Algorithms developed to predict the effect of missense changes on protein structure and function are either unavailable or do not agree on the potential impact of this missense change (SIFT: "Deleterious"; PolyPhen-2: "Possibly Damaging"; Align-GVGD: "Class C0"). This variant has not been reported in the literature in individuals affected with NBN-related conditions. This sequence change replaces phenylalanine with leucine at codon 106 of the NBN protein (p.Phe106Leu). The phenylalanine residue is moderately conserved and there is a small physicochemical difference between phenylalanine and leucine.